The following is an entry in ClinVar:

ClinVar aggregate classification (germline): Uncertain significance (1 of 4 stars; one submission).

Conditions:
Immunodeficiency 14 (IMD14A). Also called: IMMUNODEFICIENCY 14A WITH LYMPHOPROLIFERATION, AUTOSOMAL DOMINANT; Activated PI3K Delta Syndrome Type 1 (APDS1); p110-DELTA-ACTIVATING MUTATION CAUSING SENESCENT T CELLS, LYMPHADENOPATHY, AND IMMUNODEFICIENCY; ACTIVATED PI3K-DELTA SYNDROME 1. Identifiers: Orphanet 397596, Orphanet 693661, MedGen C5907821, MONDO:0014222, OMIM 615513.

Allele frequency attached by ClinVar (database versions not stated): gnomAD exomes below 0.00001; TOPMed below 0.00001.
gnomAD v4.1: 5 of 1,612,886 alleles (0.00031%); no homozygotes.

Submission:

Labcorp Genetics (formerly Invitae), Labcorp
Classification: Uncertain significance for Activated PI3K-delta syndrome. Last evaluated: 2025-03-16. Review status: criteria provided, single submitter. Criteria: Invitae Variant Classification Sherloc (09022015). Collection method: clinical testing. Allele origin: germline.
Comment: This sequence change replaces arginine, which is basic and polar, with glutamine, which is neutral and polar, at codon 517 of the PIK3CD protein (p.Arg517Gln). The frequency data for this variant in the population databases is considered unreliable, as metrics indicate poor data quality at this position in the gnomAD database. This variant has not been reported in the literature in individuals affected with PIK3CD-related conditions. ClinVar contains an entry for this variant (Variation ID: 2098848). Invitae Evidence Modeling of protein sequence and biophysical properties (such as structural, functional, and spatial information, amino acid conservation, physicochemical variation, residue mobility, and thermodynamic stability) indicates that this missense variant is not expected to disrupt PIK3CD protein function with a negative predictive value of 80%. In summary, the available evidence is currently insufficient to determine the role of this variant in disease. Therefore, it has been classified as a Variant of Uncertain Significance.

NM_005026.5(PIK3CD):c.1550G>A (p.Arg517Gln)

Gene: PIK3CD (phosphatidylinositol-4,5-bisphosphate 3-kinase catalytic subunit delta; plus strand). Cytogenetic location: 1p36.22.
Variant type: single nucleotide variant.
Coding change: c.1550G>A on transcript NM_005026.5 (MANE Select); coding-DNA position 1550, G replaced by A.
Protein change: p.Arg517Gln; replaces arginine 517 with glutamine.
Molecular consequence: missense variant.
Genome position (GRCh38, 1-based): chr1:9,720,770, G>A. VCF-style: chr1-9720770-G-A. GRCh37 (hg19) VCF-style: chr1-9780828-G-A.
Other names: c.1547G>A, p.Arg516Gln (NM_001350234.2); c.1463G>A, p.Arg488Gln (NM_001350235.1); short protein forms R488Q, R516Q, R517Q.
Identifiers: ClinVar variation 2098848 (VCV002098848.4), dbSNP rs1441813233, ClinGen allele CA338303766.